The following is an entry in ClinVar:

NM_001905.4(CTPS1):c.555G>A (p.Gln185=)

Gene: CTPS1 (CTP synthase 1; plus strand). Cytogenetic location: 1p34.2.
Variant type: single nucleotide variant.
Coding change: c.555G>A on transcript NM_001905.4 (MANE Select); coding-DNA position 555, G replaced by A.
Protein change: p.Gln185=; no amino-acid change (glutamine 185 retained).
Molecular consequence: synonymous variant. On other transcripts: non-coding transcript variant (1).
Genome position (GRCh38, 1-based): chr1:40,988,710, G>A. VCF-style: chr1-40988710-G-A. GRCh37 (hg19) VCF-style: chr1-41454382-G-A.
Other names: c.87G>A, p.Gln29= (NM_001301237.2).
Identifiers: ClinVar variation 3007961 (VCV003007961.3), dbSNP rs1228206814, ClinGen allele CA417358711.
Genomic context (GRCh38, chr1:40,988,710, plus strand): 5'-GTTCCAATTCAAGGTCAAAAGAGAGAACTTTTGTAACATCCACGTCAGTCTAGTTCCCCA[G>A]GTAAGTAAGACATTGAAAGTTTTACTTTGGGGGAGATGGAGAGGAGGGAGGAAAGGTAAA-3'
Protein context (NP_001896.2, residues 175-195): FCNIHVSLVP[Gln185=]PSSTGEQKTK

ClinVar aggregate classification (germline): Uncertain significance (1 of 4 stars; one submission).

Conditions:
Combined immunodeficiency due to CTPS1 deficiency. Also called: Immunodeficiency 24; Severe combined immunodeficiency due to CTPS1 deficiency. Identifiers: Orphanet 420573, MedGen C4014617, MONDO:0014391, OMIM 615897.

gnomAD v4.1: 1 of 1,598,904 alleles (0.000063%); highest among the groups gnomAD compares: Admixed American, 0.0017%; no homozygotes.

Submission:

Labcorp Genetics (formerly Invitae), Labcorp
Classification: Uncertain significance for Combined immunodeficiency due to CTPS1 deficiency. Last evaluated: 2024-07-20. Review status: criteria provided, single submitter. Criteria: Invitae Variant Classification Sherloc (09022015). Collection method: clinical testing. Allele origin: germline.
Comment: This sequence change affects codon 185 of the CTPS1 mRNA. It is a 'silent' change, meaning that it does not change the encoded amino acid sequence of the CTPS1 protein. This variant also falls at the last nucleotide of exon 5, which is part of the consensus splice site for this exon. This variant is present in population databases (no rsID available, gnomAD 0.003%). This variant has not been reported in the literature in individuals affected with CTPS1-related conditions. Variants that disrupt the consensus splice site are a relatively common cause of aberrant splicing (PMID: 17576681, 9536098). Algorithms developed to predict the effect of sequence changes on RNA splicing suggest that this variant is not likely to affect RNA splicing. In summary, the available evidence is currently insufficient to determine the role of this variant in disease. Therefore, it has been classified as a Variant of Uncertain Significance.

Literature cited by the submitters: PubMed 17576681; PubMed 9536098.